The following is an entry in ClinVar:

NM_001148.6(ANK2):c.5213_5215del (p.Gly1738del)

Genes: ANK2 (ankyrin 2; plus strand), LOC126807136 (MED14-independent group 3 enhancer GRCh37_chr4:114274931-114276130; plus strand). Cytogenetic location: 4q26.
Variant type: Deletion.
Coding change: c.5213_5215del on transcript NM_001148.6 (MANE Select); coding-DNA positions 5213 to 5215, 3 bases deleted (GTG; older notation c.5213_5215delGTG).
Protein change: p.Gly1738del; deletes glycine 1738.
Molecular consequence: inframe deletion. On other transcripts: intron variant (68).
Genome position (GRCh38, 1-based): chr4:113,353,831-113,353,833, GTG deleted; deleting any 3 consecutive bases within chr4:113,353,830-113,353,833 gives the same sequence; the c. name uses the placement nearest the transcript's 3' end. VCF-style (leftmost placement, unchanged base first): chr4-113353829-AGGT-A. GRCh37 (hg19) VCF-style: chr4-114274985-AGGT-A.
Other names: c.4979_4981del, p.Gly1660del (NM_001386142.1); c.1613_1615del, p.Gly538del (NM_001386166.1); c.5354_5356del, p.Gly1785del (NM_001386174.1); c.5330_5332del, p.Gly1777del (NM_001386175.1); c.4411+3582_4411+3584del (NM_001386186.2, NM_001386148.2); c.4213+3582_4213+3584del (NM_001354269.3); c.4291+3582_4291+3584del (NM_001386187.2); c.4252+3582_4252+3584del (NM_001386147.1); and 35 more; short protein forms G1738del, G1660del, G1777del, G1785del, G538del.
Identifiers: ClinVar variation 838819 (VCV000838819.9), dbSNP rs2095566161, ClinGen allele CA916081457.

ClinVar aggregate classification (germline): Uncertain significance (1 of 4 stars; one submission).

Conditions:
Long QT syndrome (LQTS). Identifiers: MedGen C0023976, MeSH D008133, MONDO:0002442. Disease mechanism: loss of function. Inheritance: Various modes of inheritance.

Submission:

Labcorp Genetics (formerly Invitae), Labcorp
Classification: Uncertain significance for Long QT syndrome. Last evaluated: 2022-03-19. Review status: criteria provided, single submitter. Criteria: Invitae Variant Classification Sherloc (09022015). Collection method: clinical testing. Allele origin: germline.
Comment: This variant, c.5213_5215del, results in the deletion of 1 amino acid(s) of the ANK2 protein (p.Gly1738del), but otherwise preserves the integrity of the reading frame. This variant is not present in population databases (gnomAD no frequency). This variant has not been reported in the literature in individuals affected with ANK2-related conditions. ClinVar contains an entry for this variant (Variation ID: 838819). Experimental studies and prediction algorithms are not available or were not evaluated, and the functional significance of this variant is currently unknown. In summary, the available evidence is currently insufficient to determine the role of this variant in disease. Therefore, it has been classified as a Variant of Uncertain Significance.